The following is an entry in ClinVar:

NM_007294.4(BRCA1):c.3737C>A (p.Thr1246Asn)

Genes: BRCA1 (BRCA1 DNA repair associated; minus strand), LOC126862571 (BRD4-independent group 4 enhancer GRCh37_chr17:41243136-41244335; plus strand). Cytogenetic location: 17q21.31.
Variant type: single nucleotide variant.
Coding change: c.3737C>A on transcript NM_007294.4 (MANE Select); coding-DNA position 3737, C replaced by A.
Protein change: p.Thr1246Asn; replaces threonine 1246 with asparagine.
Molecular consequence: missense variant. On other transcripts: intron variant (135).
Genome position (GRCh38, 1-based): chr17:43,091,794, G>T on the plus strand (C>A on the coding strand, the complement: BRCA1 is on the minus strand). VCF-style: chr17-43091794-G-T. GRCh37 (hg19) VCF-style: chr17-41243811-G-T.
Other names: c.3593C>A, p.Thr1198Asn (NM_001407844.1, NM_001407845.1, NM_001407846.1 and 20 more transcripts); c.3596C>A, p.Thr1199Asn (NM_001407850.1, NM_001407851.1, NM_001407852.1 and 29 more transcripts); c.3524C>A, p.Thr1175Asn (NM_001407853.1, NM_001407894.1, NM_001407895.1 and 9 more transcripts); c.3737C>A, p.Thr1246Asn (NM_001407854.1, NM_001407858.1, NM_001407859.1 and 30 more transcripts); c.3734C>A, p.Thr1245Asn (NM_001407860.1, NM_001407861.1, NM_001407587.1 and 22 more transcripts); c.3536C>A, p.Thr1179Asn (NM_001407862.1); c.3614C>A, p.Thr1205Asn (NM_001407863.1, NM_001407919.1, NM_001407937.1 and 19 more transcripts); c.3533C>A, p.Thr1178Asn (NM_001407874.1, NM_001407875.1); and 41 more; short protein forms T1246N, T1199N, T1198N, T1243N, T378N, T1119N, T1135N, T1157N.
Identifiers: ClinVar variation 240797 (VCV000240797.33), dbSNP rs878854949, ClinGen allele CA10583565.

ClinVar aggregate classification (germline): Conflicting classifications of pathogenicity. Review status: criteria provided, conflicting classifications (1 of 4 stars). 10 submissions from 10 submitters: Uncertain significance (6); Benign (1); Likely benign (2). 1 of the submissions does not count toward it. Last evaluated 2026-01-25.

Conditions:
Breast-ovarian cancer, familial, susceptibility to, 1 (BROVCA1). Also called: BRCA1 Hereditary Breast and Ovarian Cancer; OVARIAN CANCER, SUSCEPTIBILITY TO. Identifiers: Orphanet 145, MedGen C2676676, MONDO:0011450, OMIM 604370. Disease mechanism: loss of function.
Fanconi anemia, complementation group S (FANCS). Identifiers: MedGen C4554406, MONDO:0054748, OMIM 617883.
Pancreatic cancer, susceptibility to, 4. Identifiers: Orphanet 1333, MedGen C3280442, MONDO:0013685, OMIM 614320.
Hereditary cancer-predisposing syndrome. Also called: Hereditary Cancer Syndrome; Neoplastic Syndromes, Hereditary; Hereditary neoplastic syndrome; Tumor predisposition. Identifiers: Orphanet 140162, MedGen C0027672, MeSH D009386, MONDO:0015356.
Hereditary breast ovarian cancer syndrome. Also called: Hereditary breast and ovarian cancer syndrome (HBOC); Breast and ovarian cancer; Hereditary breast and ovarian cancer syndrome; Hereditary breast and ovarian cancer; BRCA1- and BRCA2-Associated Hereditary Breast and Ovarian Cancer; Hereditary breast and/or ovarian cancer syndrome. Identifiers: Orphanet 145, MedGen C0677776, MeSH D061325, MONDO:0003582. Disease mechanism: loss of function.
Malignant tumor of breast. Also called: Malignant breast neoplasm; Cancer breast. Identifiers: MedGen C0006142, MONDO:0007254. Disease mechanism: loss of function.

Allele frequency attached by ClinVar (database versions not stated): TOPMed 0.00001.

Submissions (10):

Labcorp Genetics (formerly Invitae), Labcorp
Classification: Benign for Hereditary breast ovarian cancer syndrome. Last evaluated: 2026-01-25. Review status: criteria provided, single submitter. Criteria: Invitae Variant Classification Sherloc (09022015). Collection method: clinical testing. Allele origin: germline.

Quest Diagnostics Nichols Institute San Juan Capistrano
Classification: Uncertain significance. Last evaluated: 2025-05-06. Review status: criteria provided, single submitter. Criteria: Quest Diagnostics criteria. Collection method: clinical testing. Allele origin: unknown.
Comment: The BRCA1 c.3737C>A (p.Thr1246Asn) variant has been reported in the published literature in affected individuals with breast and/or ovarian cancer in the published literature (PMIDs: 21203900 (2011) and 27403073 (2016)). Additionally, the variant has been reported in a study of BRCA1 and BRCA2 regions without essential functions that tolerate variation (PMID: 31911673 (2020)). This variant has not been reported in large, multi-ethnic general populations (Genome Aggregation Database). Analysis of this variant using bioinformatics tools for the prediction of the effect of amino acid changes on protein structure and function yielded predictions that this variant is benign. Based on the available information, we are unable to determine the clinical significance of this variant.

Ambry Genetics
Classification: Uncertain significance for Hereditary cancer-predisposing syndrome. Last evaluated: 2024-10-10. Review status: criteria provided, single submitter. Criteria: Ambry Variant Classification Scheme 2023. Collection method: clinical testing. Allele origin: germline.
Comment: The p.T1246N variant (also known as c.3737C>A), located in coding exon 9 of the BRCA1 gene, results from a C to A substitution at nucleotide position 3737. The threonine at codon 1246 is replaced by asparagine, an amino acid with similar properties. This alteration was reported in two of 585 Slovak families with suspected HBOC and was seen in cis with the BRCA1 c.4065_4068del4 mutation in both families (Konecny M et al. Breast Cancer Res. Treat. 2011 Feb;126:119-30). This alteration was also identified in an individual diagnosed with breast cancer (Azim HA et al. Oncol Ther, 2023 Dec;11:445-459). This amino acid position is poorly conserved in available vertebrate species. In addition, this alteration is predicted to be tolerated by in silico analysis. Based on the available evidence, the clinical significance of this variant remains unclear.

Blueprint Genetics
Classification: Likely benign. Last evaluated: 2024-05-31. Review status: criteria provided, single submitter. Criteria: ACMG Guidelines, 2015. Collection method: clinical testing. Allele origin: germline.

Fulgent Genetics
Classification: Uncertain significance for Breast-ovarian cancer, familial, susceptibility to, 1; Pancreatic cancer, susceptibility to, 4; Fanconi anemia, complementation group S. Last evaluated: 2024-02-28. Review status: criteria provided, single submitter. Criteria: ACMG Guidelines, 2015. Collection method: clinical testing. Allele origin: germline.

Color Diagnostics, LLC DBA Color Health
Classification: Uncertain significance for Hereditary cancer-predisposing syndrome. Last evaluated: 2023-08-17. Review status: criteria provided, single submitter. Criteria: ACMG Guidelines, 2015. Collection method: clinical testing. Allele origin: germline.
Comment: This missense variant replaces threonine with asparagine at codon 1246 of the BRCA1 protein. Computational prediction suggests that this variant may not impact protein structure and function (internally defined REVEL score threshold <= 0.5, PMID: 27666373). To our knowledge, functional studies have not been reported for this variant. This variant has been reported in two families affected with hereditary breast and ovarian cancer, who also carried a pathogenic variant in the same gene that could explain the observed disease (PMID: 21203900). This variant has not been identified in the general population by the Genome Aggregation Database (gnomAD). The available evidence is insufficient to determine the role of this variant in disease conclusively. Therefore, this variant is classified as a Variant of Uncertain Significance.

University of Washington Department of Laboratory Medicine, University of Washington
Classification: Likely benign for Hereditary cancer-predisposing syndrome. Last evaluated: 2023-03-23. Review status: criteria provided, single submitter. Criteria: Dines et al. (Genet Med. 2020). Collection method: curation. Allele origin: germline.
Comment: Missense variant in a coldspot region where missense variants are very unlikely to be pathogenic (PMID:31911673).

BRCA1 coldspot (exon 11 using historical exon numbering). Reclassification based on statistical prior probability

GeneDx
Classification: Uncertain significance. Last evaluated: 2022-12-30. Review status: criteria provided, single submitter. Criteria: GeneDx Variant Classification Process June 2021. Collection method: clinical testing. Allele origin: germline. Affected: yes.
Comment: Observed in families with breast and/or ovarian cancer who also carried a BRCA1 pathogenic variant (Konecny et al., 2011); In silico analysis supports that this missense variant does not alter protein structure/function; Not observed at significant frequency in large population cohorts (gnomAD); Also known as 3856C>A, p.Thr1246Asn; This variant is associated with the following publications: (PMID: 27403073, 29884841, 32377563, 21203900)

Women's Health and Genetics/Laboratory Corporation of America, LabCorp
Classification: Uncertain significance. Last evaluated: 2016-05-09. Review status: criteria provided, single submitter. Criteria: LabCorp Variant Classification Summary - May 2015. Collection method: clinical testing. Allele origin: germline.
Comment: Variant summary: The BRCA1 c.3737C>A (p.Thr1246Asn) variant involves the alteration of a non-conserved nucleotide with 2/4 in silico tools (SNPs&GO not captured due to low reliability index) predicting a "benign" outcome . This variant was not observed in controls (ExAC, 1000 Gs or ESP). A publication cites the variant in two affected individuals that co-occurred with another pathogenic BRCA1 variant, c.4065_4068delTCAA (p.Asn1355fsX10 - classified as pathogenic by LCA). This variant was not, to our knowledge, reported in reputable databases/clinical laboratories. Therefore, taking all available lines of evidence into consideration, the variant of interest is classified as a "Variant of Uncertain Significance (VUS) - possibly benign."

Department of Pathology and Laboratory Medicine, Sinai Health System
Classification: Uncertain significance for Malignant tumor of breast. Review status: no assertion criteria provided. Collection method: clinical testing. Allele origin: unknown. Affected: yes. Study: The Canadian Open Genetics Repository (COGR). Not counted in ClinVar's aggregate classification.
Comment: The BRCA1 p.Thr1246Asn variant was identified in 2 of 1170 proband chromosomes (frequency: 0.002) from Slovak families with hereditary breast or ovarian cancer (Konecny 2011); however, control chromosomes were not evaluated in this study, thus the prevalence of this variant in the general population could not be determined. The variant was detected in association with a pathogenic BRCA1 mutation (c.4065_4068del4) in both of these families, with the authors suggesting that this may be a haplotype (i.e. inherited together on the same chromosome). The variant was not identified in the dbSNP, NHLBI Exome Sequencing Project (Exome Variant Server), Exome Aggregation Consortium (ExAC), HGMD, LOVD, COSMIC, ClinVar, GeneInsight VariantWire, BIC or UMD databases. The variant occurs outside of the splicing consensus sequence and in silico or computational prediction software programs (SpliceSiteFinder, MaxEntScan, NNSPLICE, GeneSplicer, HumanSpliceFinder) do not predict a difference in splicing. The p.Thr1246 residue is not conserved in mammals and computational analyses (PolyPhen-2, SIFT, AlignGVGD, BLOSUM, MutationTaster) do not suggest a high likelihood of impact to the protein. However, this information is not predictive enough to rule out pathogenicity. In summary, based on the above information, the clinical significance of this variant cannot be determined with certainty at this time. This variant is classified as a variant of unknown significance.

Literature cited by the submitters: PubMed 27403073 (cited by Quest Diagnostics Nichols Institute San Juan Capistrano and Ambry Genetics); PubMed 21203900 (cited by 4 submitters); PubMed 31911673 (cited by Quest Diagnostics Nichols Institute San Juan Capistrano); PubMed 37731153 (cited by Ambry Genetics).